The following is an entry in ClinVar:

NM_001243133.2(NLRP3):c.864C>G (p.Ile288Met)

Gene: NLRP3 (NLR family pyrin domain containing 3; plus strand). Cytogenetic location: 1q44.
Variant type: single nucleotide variant.
Coding change: c.864C>G on transcript NM_001243133.2 (MANE Select); coding-DNA position 864, C replaced by G.
Protein change: p.Ile288Met; replaces isoleucine 288 with methionine.
Molecular consequence: missense variant.
Genome position (GRCh38, 1-based): chr1:247,424,313, C>G. VCF-style: chr1-247424313-C-G. GRCh37 (hg19) VCF-style: chr1-247587615-C-G.
Other names: c.864C>G, p.Ile288Met (NM_001079821.3, NM_001127461.3, NM_001127462.3 and 1 more transcripts); c.870C>G, p.Ile290Met (NM_004895.5); short protein forms I288M, I290M.
Identifiers: ClinVar variation 4811393 (VCV004811393.1).

ClinVar aggregate classification (germline): Uncertain significance (1 of 4 stars; one submission).

Conditions:
Cryopyrin associated periodic syndrome (CAPS). Identifiers: Orphanet 208650, MedGen C2316212, MONDO:0016168.

gnomAD v4.1: 23 of 1,598,528 alleles (0.0014%); highest among the groups gnomAD compares: Middle Eastern, 0.017%; no homozygotes.

Submission:

Labcorp Genetics (formerly Invitae), Labcorp
Classification: Uncertain significance for Cryopyrin associated periodic syndrome. Last evaluated: 2025-09-07. Review status: criteria provided, single submitter. Criteria: Invitae Variant Classification Sherloc (09022015). Collection method: clinical testing. Allele origin: germline.
Comment: This sequence change replaces isoleucine, which is neutral and non-polar, with methionine, which is neutral and non-polar, at codon 290 of the NLRP3 protein (p.Ile290Met). This variant is present in population databases (rs200900704, gnomAD 0.003%). This missense change has been observed in individual(s) with NLRP3-related conditions (PMID: 23432807, 33329557). This variant is also known as c.864C>G; p.I288M. Invitae Evidence Modeling of protein sequence and biophysical properties (such as structural, functional, and spatial information, amino acid conservation, physicochemical variation, residue mobility, and thermodynamic stability) has been performed for this missense variant. However, the output from this modeling did not meet the statistical confidence thresholds required to predict the impact of this variant on NLRP3 protein function. Experimental studies have shown that this missense change affects NLRP3 function (PMID: 27548431). In summary, the available evidence is currently insufficient to determine the role of this variant in disease. Therefore, it has been classified as a Variant of Uncertain Significance.

Literature cited by the submitters: PubMed 23432807; PubMed 33329557; PubMed 27548431.